The following is an entry in ClinVar:

ClinVar aggregate classification (germline): Uncertain significance. Review status: criteria provided, multiple submitters, no conflicts (2 of 4 stars). 2 submissions from 2 submitters: Uncertain significance (2). Last evaluated 2025-06-26.

Conditions:
Inborn genetic diseases. Identifiers: MedGen C0950123, MeSH D030342.

gnomAD v4.1: 48 of 1,613,488 alleles (0.003%); highest among the groups gnomAD compares: Admixed American, 0.055%; no homozygotes.

Submissions (2):

Ambry Genetics
Classification: Uncertain significance for Inborn genetic diseases. Last evaluated: 2025-06-26. Review status: criteria provided, single submitter. Criteria: Ambry Variant Classification Scheme 2023. Collection method: clinical testing. Allele origin: germline.

GeneDx
Classification: Uncertain significance. Last evaluated: 2024-05-13. Review status: criteria provided, single submitter. Criteria: GeneDx Variant Classification Process June 2021. Collection method: clinical testing. Allele origin: germline. Affected: yes.
Comment: In silico analysis indicates that this missense variant does not alter protein structure/function; Has not been previously published as pathogenic or benign to our knowledge

NM_006618.5(KDM5B):c.2480G>A (p.Arg827Gln)

Gene: KDM5B (lysine demethylase 5B; minus strand). Cytogenetic location: 1q32.1.
Variant type: single nucleotide variant.
Coding change: c.2480G>A on transcript NM_006618.5 (MANE Select); coding-DNA position 2480, G replaced by A.
Protein change: p.Arg827Gln; replaces arginine 827 with glutamine.
Molecular consequence: missense variant.
Genome position (GRCh38, 1-based): chr1:202,742,500, C>T on the plus strand (G>A on the coding strand, the complement: KDM5B is on the minus strand). VCF-style: chr1-202742500-C-T. GRCh37 (hg19) VCF-style: chr1-202711628-C-T.
Other names: c.2588G>A, p.Arg863Gln (NM_001314042.2); c.2345G>A, p.Arg782Gln (NM_001347591.2); c.2465G>A, p.Arg822Gln (NM_001399817.1); short protein forms R782Q, R822Q, R827Q, R863Q.
Identifiers: ClinVar variation 3378258 (VCV003378258.2).